The following is an entry in ClinVar:

NM_006371.5(CRTAP):c.429G>T (p.Gln143His)

Gene: CRTAP (cartilage associated protein; plus strand). Cytogenetic location: 3p22.3.
Variant type: single nucleotide variant.
Coding change: c.429G>T on transcript NM_006371.5 (MANE Select); coding-DNA position 429, G replaced by T.
Protein change: p.Gln143His; replaces glutamine 143 with histidine.
Molecular consequence: missense variant.
Genome position (GRCh38, 1-based): chr3:33,114,506, G>T. VCF-style: chr3-33114506-G-T. GRCh37 (hg19) VCF-style: chr3-33155998-G-T.
Other names: short protein forms Q143H.
Identifiers: ClinVar variation 853961 (VCV000853961.4), dbSNP rs766390490, ClinGen allele CA2300271.

ClinVar aggregate classification (germline): Uncertain significance (1 of 4 stars; one submission).

Conditions:
Osteogenesis imperfecta type 7 (OI7). Also called: OI type 7; OI type VII; OSTEOGENESIS IMPERFECTA, TYPE IIB; Osteogenesis imperfecta type 2B; OI type 2B; Osteogenesis imperfecta, perinatal lethal autosomal recessive. Identifiers: MedGen C1853162, MONDO:0012536, OMIM 610682.

Allele frequency attached by ClinVar (database versions not stated): gnomAD 0.00001; TOPMed 0.00001.
gnomAD v4.1: 4 of 1,603,810 alleles (0.00025%); highest among the groups gnomAD compares: Admixed American, 0.0067%; no homozygotes.

Submission:

Labcorp Genetics (formerly Invitae), Labcorp
Classification: Uncertain significance for Osteogenesis imperfecta type 7. Last evaluated: 2022-01-17. Review status: criteria provided, single submitter. Criteria: Invitae Variant Classification Sherloc (09022015). Collection method: clinical testing. Allele origin: germline.
Comment: This sequence change replaces glutamine, which is neutral and polar, with histidine, which is basic and polar, at codon 143 of the CRTAP protein (p.Gln143His). The frequency data for this variant in the population databases is considered unreliable, as metrics indicate poor data quality at this position in the gnomAD database. This variant has not been reported in the literature in individuals affected with CRTAP-related conditions. ClinVar contains an entry for this variant (Variation ID: 853961). Algorithms developed to predict the effect of missense changes on protein structure and function are either unavailable or do not agree on the potential impact of this missense change (SIFT: "Deleterious"; PolyPhen-2: "Benign"; Align-GVGD: "Class C0"). In summary, the available evidence is currently insufficient to determine the role of this variant in disease. Therefore, it has been classified as a Variant of Uncertain Significance.